The following is an entry in ClinVar:

NM_015509.4(NECAP1):c.515G>T (p.Gly172Val)

Gene: NECAP1 (NECAP endocytosis associated 1; plus strand). Cytogenetic location: 12p13.31.
Variant type: single nucleotide variant.
Coding change: c.515G>T on transcript NM_015509.4 (MANE Select); coding-DNA position 515, G replaced by T.
Protein change: p.Gly172Val; replaces glycine 172 with valine.
Molecular consequence: missense variant. On other transcripts: non-coding transcript variant (1).
Genome position (GRCh38, 1-based): chr12:8,092,894, G>T. VCF-style: chr12-8092894-G-T. GRCh37 (hg19) VCF-style: chr12-8245490-G-T.
Other names: short protein forms G172V.
Identifiers: ClinVar variation 1717342 (VCV001717342.3), dbSNP rs781756949, ClinGen allele CA383800234.

ClinVar aggregate classification (germline): Uncertain significance (1 of 4 stars; one submission).

Conditions:
Developmental and epileptic encephalopathy, 21 (DEE21). Also called: Early infantile epileptic encephalopathy 21. Identifiers: Orphanet 442835, MedGen C4014430, MONDO:0014360, OMIM 615833.

Allele frequency attached by ClinVar (database versions not stated): TOPMed below 0.00001.

Submission:

Labcorp Genetics (formerly Invitae), Labcorp
Classification: Uncertain significance for Developmental and epileptic encephalopathy, 21. Last evaluated: 2022-08-21. Review status: criteria provided, single submitter. Criteria: Invitae Variant Classification Sherloc (09022015). Collection method: clinical testing. Allele origin: germline.
Comment: This sequence change replaces glycine, which is neutral and non-polar, with valine, which is neutral and non-polar, at codon 172 of the NECAP1 protein (p.Gly172Val). This variant is not present in population databases (gnomAD no frequency). This variant has not been reported in the literature in individuals affected with NECAP1-related conditions. Algorithms developed to predict the effect of missense changes on protein structure and function are either unavailable or do not agree on the potential impact of this missense change (SIFT: "Not Available"; PolyPhen-2: "Benign"; Align-GVGD: "Not Available"). In summary, the available evidence is currently insufficient to determine the role of this variant in disease. Therefore, it has been classified as a Variant of Uncertain Significance.